The following is an entry in ClinVar:

NM_017780.4(CHD7):c.5475T>A (p.Asp1825Glu)

Gene: CHD7 (chromodomain helicase DNA binding protein 7; plus strand). Cytogenetic location: 8q12.2.
Variant type: single nucleotide variant.
Coding change: c.5475T>A on transcript NM_017780.4 (MANE Select); coding-DNA position 5475, T replaced by A.
Protein change: p.Asp1825Glu; replaces aspartic acid 1825 with glutamic acid.
Molecular consequence: missense variant. On other transcripts: intron variant (1).
Genome position (GRCh38, 1-based): chr8:60,850,563, T>A. VCF-style: chr8-60850563-T-A. GRCh37 (hg19) VCF-style: chr8-61763122-T-A.
Other names: c.1717-11666T>A (NM_001316690.1); short protein forms D1825E.
Identifiers: ClinVar variation 3066197 (VCV003066197.2), dbSNP rs2488015592, ClinGen allele CA371321685.

ClinVar aggregate classification (germline): Uncertain significance. Review status: criteria provided, multiple submitters, no conflicts (2 of 4 stars). 2 submissions from 2 submitters: Uncertain significance (2). Last evaluated 2023-11-08.

Conditions:
CHARGE syndrome (CHARGE). Also called: Hittner Hirsch Kreh syndrome; CHARGE ASSOCIATION--COLOBOMA, HEART ANOMALY, CHOANAL ATRESIA, RETARDATION, GENITAL AND EAR ANOMALIES; Coloboma, heart anomaly, choanal atresia, retardation, genital and ear anomalies; CHARGE association; Hall-Hittner syndrome. Identifiers: Orphanet 138, MedGen C0265354, MONDO:0008965.

Allele frequency attached by ClinVar (database versions not stated): gnomAD exomes below 0.00001.
gnomAD v4.1: 1 of 1,613,490 alleles (0.000062%); highest among the groups gnomAD compares: Non-Finnish European, 0.000085%; no homozygotes.

Submissions (2):

MVZ Medizinische Genetik Mainz
Classification: Uncertain significance for CHD7-related CHARGE syndrome. Last evaluated: 2023-11-08. Review status: criteria provided, single submitter. Criteria: UK Practice Guidelines For Variant Classification V4 01 2020. Collection method: clinical testing. Allele origin: germline. Inheritance: Autosomal dominant inheritance. Affected: yes. Observed: 1 variant allele.
Comment: ACMG Criteria: PM2_SUP,PM5_SUP,PP2

Blueprint Genetics
Classification: Uncertain significance. Last evaluated: 2020-11-04. Review status: criteria provided, single submitter. Criteria: ACMG Guidelines, 2015. Collection method: clinical testing. Allele origin: germline.